The following is an entry in ClinVar:

ClinVar aggregate classification (germline): Pathogenic. Review status: criteria provided, multiple submitters, no conflicts (2 of 4 stars). 4 submissions from 4 submitters: Pathogenic (3). 1 of the submissions does not count toward it. Last evaluated 2025-12-22.

Conditions:
Hereditary cancer-predisposing syndrome. Also called: Neoplastic Syndromes, Hereditary; Hereditary neoplastic syndrome; Tumor predisposition; Hereditary Cancer Syndrome. Identifiers: Orphanet 140162, MedGen C0027672, MeSH D009386, MONDO:0015356.
Familial cancer of breast. Also called: BREAST CANCER, FAMILIAL; hereditary breast carcinoma; Hereditary breast cancer. Identifiers: Orphanet 227535, MedGen C0346153, MONDO:0016419, OMIM 114480. Disease mechanism: loss of function.
Ataxia-telangiectasia syndrome (AT). Also called: Cerebello-oculocutaneous telangiectasia; Immunodeficiency with ataxia telangiectasia; Ataxia-telangiectasia; Ataxia-telangiectasia, complementation group E; Ataxia-telangiectasia, complementation group D; AT, COMPLEMENTATION GROUP C. Identifiers: Orphanet 100, MedGen C0004135, MONDO:0008840, OMIM 208900.

Submissions (4):

Ambry Genetics
Classification: Pathogenic for Hereditary cancer-predisposing syndrome. Last evaluated: 2025-12-22. Review status: criteria provided, single submitter. Criteria: Ambry Variant Classification Scheme 2023. Collection method: clinical testing. Allele origin: germline.
Comment: The c.2165dupT pathogenic mutation, located in coding exon 13 of the ATM gene, results from a duplication of T at nucleotide position 2165, causing a translational frameshift with a predicted alternate stop codon (p.L722Ffs*16). This variant is considered to be rare based on population cohorts in the Genome Aggregation Database (gnomAD). This alteration is expected to result in loss of function by premature protein truncation or nonsense-mediated mRNA decay. As such, this alteration is interpreted as a disease-causing mutation.

Labcorp Genetics (formerly Invitae), Labcorp
Classification: Pathogenic for Ataxia-telangiectasia syndrome. Last evaluated: 2024-09-03. Review status: criteria provided, single submitter. Criteria: Invitae Variant Classification Sherloc (09022015). Collection method: clinical testing. Allele origin: germline.
Comment: This sequence change creates a premature translational stop signal (p.Leu722Phefs*16) in the ATM gene. It is expected to result in an absent or disrupted protein product. Loss-of-function variants in ATM are known to be pathogenic (PMID: 23807571, 25614872). This variant is not present in population databases (gnomAD no frequency). This variant has not been reported in the literature in individuals affected with ATM-related conditions. ClinVar contains an entry for this variant (Variation ID: 370313). For these reasons, this variant has been classified as Pathogenic.

Myriad Genetics, Inc.
Classification: Pathogenic for Familial cancer of breast. Last evaluated: 2022-12-29. Review status: criteria provided, single submitter. Criteria: Myriad Autosomal Dominant, Autosomal Recessive and X-Linked Classification Criteria (2023). Collection method: clinical testing. Allele origin: unknown.
Comment: This variant is considered pathogenic. This variant creates a frameshift predicted to result in premature protein truncation.

Counsyl
Classification: Likely pathogenic for Ataxia-telangiectasia syndrome. Last evaluated: 2016-01-08. Review status: no assertion criteria provided. Collection method: clinical testing. Allele origin: unknown. Not counted in ClinVar's aggregate classification.

Literature cited by the submitters: PubMed 23807571 (cited by Labcorp Genetics (formerly Invitae), Labcorp); PubMed 25614872 (cited by Labcorp Genetics (formerly Invitae), Labcorp).

NM_000051.4(ATM):c.2165dup (p.Leu722fs)

Gene: ATM (ATM serine/threonine kinase; plus strand). Cytogenetic location: 11q22.3.
Variant type: Duplication.
Coding change: c.2165dup on transcript NM_000051.4 (MANE Select); coding-DNA position 2165, one base duplicated (T; older notation c.2165dupT).
Protein change: p.Leu722fs; shifts the reading frame from leucine 722.
Molecular consequence: frameshift variant.
Genome position (GRCh38, 1-based): chr11:108,256,255, T duplicated; the last of 4 consecutive T bases (chr11:108,256,252-108,256,255); duplicating any one gives the same sequence. VCF-style (leftmost placement, unchanged base first): chr11-108256251-C-CT. GRCh37 (hg19) VCF-style: chr11-108126978-C-CT.
Other names: c.2165dupT (NM_000051.3); c.2165dup, p.Leu722fs (NM_001351834.2); short protein forms L722fs.
Identifiers: ClinVar variation 370313 (VCV000370313.13), dbSNP rs1057516393, ClinGen allele CA16041390.